The following continues an entry in ClinVar:

NM_000535.7(PMS2):c.2174C>T (p.Ala725Val)

Gene: PMS2. ClinVar aggregate classification (germline): Conflicting classifications of pathogenicity. Uncertain significance (11); Likely benign (1).

Submissions 9 to 14 of 14:

GeneDx
Classification: Uncertain significance. Last evaluated: 2023-07-07. Review status: criteria provided, single submitter. Criteria: GeneDx Variant Classification Process June 2021. Collection method: clinical testing. Allele origin: germline. Affected: yes.
Comment: Observed in individuals with breast cancer or a Lynch syndrome-associated tumor (Tung et al., 2015; Yurgelun et al., 2015); In silico analysis supports that this missense variant does not alter protein structure/function; This variant is associated with the following publications: (PMID: 25980754, 25186627, 27203213, Fukui2011[Chapter])

Neuberg Centre For Genomic Medicine, NCGM
Classification: Uncertain significance for Mismatch repair cancer syndrome 4. Last evaluated: 2023-06-22. Review status: criteria provided, single submitter. Criteria: ACMG Guidelines, 2015. Collection method: clinical testing. Allele origin: germline. Inheritance: Autosomal recessive inheritance. Affected: yes.
Comment: The observed missense c.2174C>T(p.Ala725Val) variant lying in the splice region of PMS2 gene has been reported previously in individual(s) affected with Hereditary Cancer syndrome (Yurgelun MB, et al., 2015). The p.Ala725Val variant has been reported with allele frequency of 0.001% in gnomAD Exomes. This variant has been submitted to the ClinVar database as Uncertain Significance (multiple submissions). Multiple lines of computational evidences (Polyphen - Benign, SIFT - Tolerated and MutationTaster - Disease causing) predict conflicting evidence on protein structure and function for this variant. The amino acid Ala at position 725 is changed to a Val changing protein sequence and it might alter its composition and physico-chemical properties. For these reasons, this variant has been classified as a Variant of Uncertain Significance (VUS).

Myriad Genetics, Inc.
Classification: Uncertain significance for Lynch syndrome 4. Last evaluated: 2023-04-04. Review status: criteria provided, single submitter. Criteria: Myriad Autosomal Dominant, Autosomal Recessive and X-Linked Classification Criteria (2023). Collection method: clinical testing. Allele origin: unknown.
Comment: This variant is classified as a variant of uncertain significance as there is insufficient evidence to determine its impact on protein function and/or cancer risk.

St. Jude Molecular Pathology, St. Jude Children's Research Hospital
Classification: Uncertain significance for Lynch syndrome. Last evaluated: 2020-10-22. Review status: criteria provided, single submitter. Criteria: St. Jude Assertion Criteria 2020. Collection method: clinical testing. Allele origin: germline.
Comment: The PMS2 c.2174C>T (p.Ala725Val) missense change has a maximum subpopulation frequency of 0.0067% in gnomAD v2.1.1 (PM2_Supporting). Six of six in silico tools predict a benign effect of this variant on protein function (BP4). This position has been shown to be part of the splicing consensus sequence and variants involving this position sometimes affect splicing. However, in silico or computational prediction software programs (SpliceAI, MaxEntScan) do not predict a difference in splicing. To our knowledge, functional studies have not been performed to confirm these predictions. This variant has been reported in an individual with suspected Lynch syndrome (PMID: 25980754) and an individual with familial breast cancer (PMID: 25186627). In summary, this variant meets criteria to be classified as of uncertain significance based on the ACMG/AMP criteria: PM2_Supporting, BP4.

Counsyl
Classification: Uncertain significance for Lynch syndrome 4. Last evaluated: 2016-06-01. Review status: no assertion criteria provided. Collection method: clinical testing. Allele origin: unknown. Not counted in ClinVar's aggregate classification.

Department of Pathology and Laboratory Medicine, Sinai Health System
Classification: Uncertain significance for Endometrial carcinoma. Review status: no assertion criteria provided. Collection method: clinical testing. Allele origin: unknown. Affected: yes. Study: The Canadian Open Genetics Repository (COGR). Not counted in ClinVar's aggregate classification.
Comment: The PMS2 p.Ala725Val variant was identified in 1 of 2520 proband chromosomes (frequency: 0.0004) from individuals or families with Lynch syndrome (Yurgelun 2015). The variant was also identified in dbSNP (ID: rs150630090) as "With Uncertain significance allele", and ClinVar (classified as uncertain significance by Invitae, Ambry Genetics and three other submitters). The variant was identified in control databases in 3 of 239296 chromosomes at a frequency of 0.00001 (Genome Aggregation Database Feb 27, 2017). The variant was observed in the following populations: European in 1 of 108138 chromosomes (freq: 0.000009), and South Asian in 2 of 30240 chromosomes (freq: 0.00007), while the variant was not observed in the African, Other, Latino, Ashkenazi Jewish, East Asian, and Finnish, populations. The p.Ala725 residue is not conserved in mammals and computational analyses (PolyPhen-2, SIFT, AlignGVGD, BLOSUM, MutationTaster) do not suggest a high likelihood of impact to the protein; however, this information is not predictive enough to rule out pathogenicity. The p.Ala725Val variant occurs in the last base of the exon. This position has been shown to be part of the splicing consensus sequence and variants involving this position sometimes affect splicing. However, in silico or computational prediction software programs (SpliceSiteFinder, MaxEntScan, NNSPLICE, GeneSplicer) do not predict a difference in splicing. In summary, based on the above information the clinical significance of this variant cannot be determined with certainty at this time. This variant is classified as a variant of uncertain significance.

Literature cited by the submitters: PubMed 25186627 (cited by 4 submitters); PubMed 25980754 (cited by 6 submitters); PubMed 38925456 (cited by Labcorp Genetics (formerly Invitae), Labcorp and Women's Health and Genetics/Laboratory Corporation of America, LabCorp); PubMed 27203213 (cited by Women's Health and Genetics/Laboratory Corporation of America, LabCorp and Quest Diagnostics Nichols Institute San Juan Capistrano); PubMed 34301788 (cited by Quest Diagnostics Nichols Institute San Juan Capistrano).